The following is an entry in ClinVar:

ClinVar aggregate classification (germline): Uncertain significance (1 of 4 stars; one submission).

Conditions:
Cardiovascular phenotype. Identifiers: MedGen CN230736.

gnomAD v4.1: 4 of 1,613,730 alleles (0.00025%); highest among the groups gnomAD compares: African/African-American, 0.0053%; no homozygotes.

Submission:

Ambry Genetics
Classification: Uncertain significance for Cardiovascular phenotype. Last evaluated: 2024-05-01. Review status: criteria provided, single submitter. Criteria: Ambry Variant Classification Scheme 2023. Collection method: clinical testing. Allele origin: germline.
Comment: The c.4175+5G>A intronic variant results from a G to A substitution 5 nucleotides after coding exon 27 in the MYH6 gene. This nucleotide position is highly conserved in available vertebrate species. In silico splice site analysis predicts that this alteration will weaken the native splice donor site. Based on the available evidence, the clinical significance of this variant remains unclear.

NM_002471.4(MYH6):c.4175+5G>A

Gene: MYH6 (myosin heavy chain 6; minus strand). Cytogenetic location: 14q11.2.
Variant type: single nucleotide variant.
Coding change: c.4175+5G>A on transcript NM_002471.4 (MANE Select); 5 bases into the intron after coding-DNA position 4175, G replaced by A.
Molecular consequence: intron variant.
Genome position (GRCh38, 1-based): chr14:23,388,854, C>T on the plus strand (G>A on the coding strand, the complement: MYH6 is on the minus strand). VCF-style: chr14-23388854-C-T. GRCh37 (hg19) VCF-style: chr14-23858063-C-T.
Identifiers: ClinVar variation 3297470 (VCV003297470.1).